The following is an entry in ClinVar:

NM_080680.3(COL11A2):c.4041G>A (p.Pro1347=)

Gene: COL11A2 (collagen type XI alpha 2 chain; minus strand). Cytogenetic location: 6p21.32.
Variant type: single nucleotide variant.
Coding change: c.4041G>A on transcript NM_080680.3 (MANE Select); coding-DNA position 4041, G replaced by A.
Protein change: p.Pro1347=; no amino-acid change (proline 1347 retained).
Molecular consequence: synonymous variant.
Genome position (GRCh38, 1-based): chr6:33,167,507, C>T on the plus strand (G>A on the coding strand, the complement: COL11A2 is on the minus strand). VCF-style: chr6-33167507-C-T. GRCh37 (hg19) VCF-style: chr6-33135284-C-T.
Other names: c.3720G>A, p.Pro1240= (NM_080679.3); c.3783G>A, p.Pro1261= (NM_080681.3).
Identifiers: ClinVar variation 227271 (VCV000227271.23), dbSNP rs139283268, ClinGen allele CA3750243.

ClinVar aggregate classification (germline): Benign/Likely benign. Review status: criteria provided, multiple submitters, no conflicts (2 of 4 stars). 8 submissions from 7 submitters: Benign (2); Likely benign (6). Last evaluated 2026-01-22.

Conditions:
Otospondylomegaepiphyseal dysplasia, autosomal recessive (OSMEDB). Also called: Insley-Astley syndrome; CHONDRODYSTROPHY WITH SENSORINEURAL DEAFNESS. Identifiers: Orphanet 1427, MedGen CN034493, MONDO:0044206, OMIM 215150.
Fibrochondrogenesis 2 (FBCG2). Identifiers: Orphanet 2021, MedGen C3281128, MONDO:0013795, OMIM 614524.

Allele frequency attached by ClinVar (database versions not stated): gnomAD exomes 0.00024 and 0.00059; ExAC 0.00067; 1000 Genomes Project 0.00140; 1000 Genomes Project 30x 0.00141; ESP Exome Variant Server 0.00190; gnomAD 0.00194 and 0.00212; TOPMed 0.00221.
gnomAD v4.1: 662 of 1,612,848 alleles (0.041%); highest among the groups gnomAD compares: African/African-American, 0.62%; 1 homozygote.

Submissions (8):

Labcorp Genetics (formerly Invitae), Labcorp
Classification: Benign. Last evaluated: 2026-01-22. Review status: criteria provided, single submitter. Criteria: Invitae Variant Classification Sherloc (09022015). Collection method: clinical testing. Allele origin: germline.

Blueprint Genetics
Classification: Likely benign. Last evaluated: 2024-11-01. Review status: criteria provided, single submitter. Criteria: ACMG Guidelines, 2015. Collection method: clinical testing. Allele origin: germline.

Women's Health and Genetics/Laboratory Corporation of America, LabCorp
Classification: Likely benign. Last evaluated: 2024-09-04. Review status: criteria provided, single submitter. Criteria: LabCorp Variant Classification Summary - May 2015. Collection method: clinical testing. Allele origin: germline.

GeneDx
Classification: Likely benign. Last evaluated: 2021-03-05. Review status: criteria provided, single submitter. Criteria: GeneDx Variant Classification Process June 2021. Collection method: clinical testing. Allele origin: germline. Affected: yes.

Illumina Laboratory Services, Illumina
Classification: Likely benign for Fibrochondrogenesis 2. Last evaluated: 2018-01-13. Review status: criteria provided, single submitter. Criteria: ICSL Variant Classification Criteria 13 December 2019. Collection method: clinical testing. Allele origin: germline.
Comment: This variant was observed in the ICSL laboratory as part of a predisposition screen in an ostensibly healthy population. It had not been previously curated by ICSL or reported in the Human Gene Mutation Database (HGMD: prior to June 1st, 2018), and was therefore a candidate for classification through an automated scoring system. Utilizing variant allele frequency, disease prevalence and penetrance estimates, and inheritance mode, an automated score was calculated to assess if this variant is too frequent to cause the disease. Based on the score and internal cut-off values, a variant classified as likely benign is not then subjected to further curation. The score for this variant resulted in a classification of likely benign for this disease.

Illumina Laboratory Services, Illumina
Classification: Likely benign for Otospondylomegaepiphyseal dysplasia, autosomal recessive. Last evaluated: 2018-01-13. Review status: criteria provided, single submitter. Criteria: ICSL Variant Classification Criteria 13 December 2019. Collection method: clinical testing. Allele origin: germline.
Comment: the same text as in the submission from Illumina Laboratory Services, Illumina above.

Laboratory for Molecular Medicine, Mass General Brigham Personalized Medicine
Classification: Benign. Last evaluated: 2016-12-13. Review status: criteria provided, single submitter. Criteria: LMM Criteria. Collection method: clinical testing. Allele origin: germline. Observed: 2 variant alleles.
Comment: p.Pro1347Pro in exon 56 of COL11A2: This variant is not expected to have clinica l significance because it does not alter an amino acid residue and is not locate d within the splice consensus sequence It has been identified in 0.8% (64/8454) of African chromosomes by the Exome Aggregation Consortium (ExAC; dbSNP rs139283268).

Eurofins Ntd Llc (ga)
Classification: Likely benign. Last evaluated: 2016-05-26. Review status: criteria provided, single submitter. Criteria: EGL Classification Definitions 2015. Collection method: clinical testing. Allele origin: germline. Observed: 1 variant allele, 1 heterozygote.